The following is an entry in ClinVar:

ClinVar aggregate classification (germline): Benign/Likely benign. Review status: criteria provided, multiple submitters, no conflicts (2 of 4 stars). 4 submissions from 4 submitters: Benign (1); Likely benign (2). 1 of the submissions does not count toward it. Last evaluated 2016-03-28.

Conditions:
INHA-related disorder. Also called: INHA-related condition.
Premature ovarian insufficiency (POF). Also called: Premature ovarian failure. Identifiers: MedGen C4303540, HP:0008209.

Allele frequency attached by ClinVar (database versions not stated): ExAC 0.02359; 1000 Genomes Project 30x 0.01483; gnomAD 0.01646 and 0.01767; TOPMed 0.01736; ESP Exome Variant Server 0.01815; 1000 Genomes Project 0.01498; gnomAD exomes 0.02334 and 0.02529.

Submissions (4):

Laboratory for Molecular Medicine, Mass General Brigham Personalized Medicine
Classification: Benign. Last evaluated: 2016-03-28. Review status: criteria provided, single submitter. Criteria: LMM Criteria. Collection method: clinical testing. Allele origin: germline.
Comment: Variant identified in a genome or exome case(s) and assessed due to predicted null impact of the variant or pathogenic assertions in the literature or databases. Disclaimer: This variant has not undergone full assessment. The following are preliminary notes: Frequency in ESP (all): 236/13006=1.81%

Breakthrough Genomics
Classification: Likely benign. Review status: criteria provided, single submitter. Criteria: ACMG Guidelines, 2015. Collection method: not provided. Allele origin: germline. Inheritance: Unknown mechanism. Affected: yes.

Broad Center for Mendelian Genomics, Broad Institute of MIT and Harvard
Classification: Likely benign for Premature ovarian failure. Review status: criteria provided, single submitter. Criteria: ACMG Guidelines, 2015. Collection method: research. Allele origin: germline. Affected: yes.
Comment: The heterozygous p.Ala257Thr variant in INHA has been identified in 3 individuals with premature ovarian failure (PMID: 11098038), but has also been identified in >5% of South Asian chromosomes and 82 total homozygotes by ExAC. In summary, although additional studies are required to fully establish its clinical significance, this variant meets criteria to be classified as likely benign for premature ovarian failure.

PreventionGenetics, part of Exact Sciences
Classification: Benign for INHA-related condition. Last evaluated: 2022-04-01. Review status: no assertion criteria provided. Collection method: clinical testing. Allele origin: germline. Not counted in ClinVar's aggregate classification.
Comment: This variant is classified as benign based on ACMG/AMP sequence variant interpretation guidelines (Richards et al. 2015 PMID: 25741868, with internal and published modifications).

NM_002191.4(INHA):c.769G>A (p.Ala257Thr)

Gene: INHA (inhibin subunit alpha; plus strand). Cytogenetic location: 2q35.
Variant type: single nucleotide variant.
Coding change: c.769G>A on transcript NM_002191.4 (MANE Select); coding-DNA position 769, G replaced by A.
Protein change: p.Ala257Thr; replaces alanine 257 with threonine.
Molecular consequence: missense variant.
Genome position (GRCh38, 1-based): chr2:219,575,194, G>A. VCF-style: chr2-219575194-G-A. GRCh37 (hg19) VCF-style: chr2-220439916-G-A.
Other names: short protein forms A257T.
Identifiers: ClinVar variation 402979 (VCV000402979.8), dbSNP rs12720062, ClinGen allele CA2132051.